The following is an entry in ClinVar:

ClinVar aggregate classification (germline): Uncertain significance (1 of 4 stars; one submission).

Conditions:
Inborn genetic diseases. Identifiers: MedGen C0950123, MeSH D030342.

Submission:

Ambry Genetics
Classification: Uncertain significance for Inborn genetic diseases. Last evaluated: 2025-11-22. Review status: criteria provided, single submitter. Criteria: Ambry Variant Classification Scheme 2023. Collection method: clinical testing. Allele origin: germline.
Comment: The p.G1115R variant (also known as c.3343G>C), located in coding exon 24 of the LTBP3 gene, results from a G to C substitution at nucleotide position 3343. The glycine at codon 1115 is replaced by arginine, an amino acid with dissimilar properties. This amino acid position is conserved. In addition, the in silico prediction for this alteration is inconclusive. Based on the available evidence, the clinical significance of this variant remains unclear.

NM_001130144.3(LTBP3):c.3343G>C (p.Gly1115Arg)

Genes: LTBP3 (latent transforming growth factor beta binding protein 3; minus strand), LOC130006027 (ATAC-STARR-seq lymphoblastoid silent region 3530; plus strand). Cytogenetic location: 11q13.1.
Variant type: single nucleotide variant.
Coding change: c.3343G>C on transcript NM_001130144.3 (MANE Select); coding-DNA position 3343, G replaced by C.
Protein change: p.Gly1115Arg; replaces glycine 1115 with arginine.
Molecular consequence: missense variant. On other transcripts: intron variant (2).
Genome position (GRCh38, 1-based): chr11:65,540,055, C>G on the plus strand (G>C on the coding strand, the complement: LTBP3 is on the minus strand). VCF-style: chr11-65540055-C-G. GRCh37 (hg19) VCF-style: chr11-65307526-C-G.
Other names: c.2894-174G>C (NM_001164266.1); c.3245-174G>C (NM_021070.4); short protein forms G1115R.
Identifiers: ClinVar variation 4624012 (VCV004624012.1).